The following is an entry in ClinVar:

NM_000152.5(GAA):c.639del (p.Ser214fs)

Gene: GAA (alpha glucosidase; plus strand). Cytogenetic location: 17q25.3.
Variant type: Deletion.
Coding change: c.639del on transcript NM_000152.5 (MANE Select); coding-DNA position 639, one base deleted (C; older notation c.639delC).
Protein change: p.Ser214fs; shifts the reading frame from serine 214.
Molecular consequence: frameshift variant.
Genome position (GRCh38, 1-based): chr17:80,105,841, C deleted. VCF-style (leftmost placement, unchanged base first): chr17-80105840-TC-T. GRCh37 (hg19) VCF-style: chr17-78079639-TC-T.
Other names: c.639del, p.Ser214fs (NM_001079803.3, NM_001079804.3); short protein forms S214fs.
Identifiers: ClinVar variation 1423358 (VCV001423358.7), dbSNP rs2143834462, ClinGen allele CA2573154933.
Genomic context (GRCh38, chr17:80,105,840, plus strand): 5'-TGCCCTTGGAGACCCCGCATGTCCACAGCCGGGCACCGTCCCCACTCTACAGCGTGGAGT[TC>T]TCCGAGGAGCCCTTCGGGGTGATCGTGCGCCGGCAGCTGGACGGCCGCGTGCTGTGAGTT-3'

ClinVar aggregate classification (germline): Pathogenic. Review status: criteria provided, multiple submitters, no conflicts (2 of 4 stars). 2 submissions from 2 submitters: Pathogenic (2). Last evaluated 2025-07-21.

Conditions:
Glycogen storage disease, type II (IOPD). Also called: CARDIOMEGALIA GLYCOGENICA DIFFUSA; GLYCOGENOSIS, GENERALIZED, CARDIAC FORM; GSD II; Pompe Disease; Glucosidase acid-1,4-alpha deficiency; POMPE DISEASE, INFANTILE-ONSET. Identifiers: Orphanet 365, MedGen C0017921, MONDO:0009290, OMIM 232300.

Submissions (2):

3billion
Classification: Pathogenic for Glycogen storage disease, type II. Last evaluated: 2025-07-21. Review status: criteria provided, single submitter. Criteria: ACMG Guidelines, 2015. Collection method: clinical testing. Allele origin: germline. Affected: yes.
Comment: The variant is not observed in the gnomAD v4.1.0 dataset. Predicted Consequence/Location: Frameshift: predicted to result in a loss or disruption of normal protein function through nonsense-mediated decay (NMD) or protein truncation. Multiple pathogenic variants are reported downstream of the variant. The variant has been reported to be associated with GAA-related disorder (ClinVar ID: VCV001423358). Therefore, this variant is classified as Pathogenic according to the recommendation of ACMG/AMP guideline.

Labcorp Genetics (formerly Invitae), Labcorp
Classification: Pathogenic for Glycogen storage disease, type II. Last evaluated: 2021-11-17. Review status: criteria provided, single submitter. Criteria: Invitae Variant Classification Sherloc (09022015). Collection method: clinical testing. Allele origin: germline.
Comment: For these reasons, this variant has been classified as Pathogenic. This variant has not been reported in the literature in individuals affected with GAA-related conditions. This variant is not present in population databases (gnomAD no frequency). This sequence change creates a premature translational stop signal (p.Ser214Profs*7) in the GAA gene. It is expected to result in an absent or disrupted protein product. Loss-of-function variants in GAA are known to be pathogenic (PMID: 18425781, 22252923).

Literature cited by the submitters: PubMed 18425781 (cited by Labcorp Genetics (formerly Invitae), Labcorp); PubMed 22252923 (cited by Labcorp Genetics (formerly Invitae), Labcorp).